The following is an entry in ClinVar:

ClinVar aggregate classification (germline): Uncertain significance (1 of 4 stars; one submission).

Submission:

GeneDx
Classification: Uncertain significance. Last evaluated: 2024-08-25. Review status: criteria provided, single submitter. Criteria: GeneDx Variant Classification Process June 2021. Collection method: clinical testing. Allele origin: germline. Affected: yes.
Comment: Not observed at significant frequency in large population cohorts (gnomAD); In silico analysis supports that this missense variant has a deleterious effect on protein structure/function; Has not been previously published as pathogenic or benign to our knowledge

NM_006421.5(ARFGEF1):c.3089T>G (p.Ile1030Ser)

Gene: ARFGEF1 (ARF guanine nucleotide exchange factor 1; minus strand). Cytogenetic location: 8q13.2.
Variant type: single nucleotide variant.
Coding change: c.3089T>G on transcript NM_006421.5 (MANE Select); coding-DNA position 3089, T replaced by G.
Protein change: p.Ile1030Ser; replaces isoleucine 1030 with serine.
Molecular consequence: missense variant. On other transcripts: non-coding transcript variant (1).
Genome position (GRCh38, 1-based): chr8:67,238,784, A>C on the plus strand (T>G on the coding strand, the complement: ARFGEF1 is on the minus strand). VCF-style: chr8-67238784-A-C. GRCh37 (hg19) VCF-style: chr8-68151019-A-C.
Other names: c.3089T>G, p.Ile1030Ser (NM_001413184.1, NM_001413185.1, NM_001413186.1 and 6 more transcripts); c.2489T>G, p.Ile830Ser (NM_001413188.1, NM_001413193.1, NM_001413197.1); c.3083T>G, p.Ile1028Ser (NM_001413190.1); c.1664T>G, p.Ile555Ser (NM_001413196.1); short protein forms I1028S, I1030S, I555S, I830S.
Identifiers: ClinVar variation 3766259 (VCV003766259.1).